The following is an entry in ClinVar:

ClinVar aggregate classification (germline): Uncertain significance. Review status: criteria provided, multiple submitters, no conflicts (2 of 4 stars). 4 submissions from 4 submitters: Uncertain significance (4). Last evaluated 2025-12-21.

Conditions:
Progressive sclerosing poliodystrophy (MTDPS4A). Also called: Mitochondrial DNA depletion syndrome 4A (Alpers type); Mitochondrial DNA Depletion Syndrome 4A; ALPERS PROGRESSIVE INFANTILE POLIODYSTROPHY; Alpers-Huttenlocher Syndrome; Alpers Syndrome; ALPERS DIFFUSE DEGENERATION OF CEREBRAL GRAY MATTER WITH HEPATIC CIRRHOSIS. Identifiers: Orphanet 726, MedGen C0205710, MONDO:0008758, OMIM 203700.

Allele frequency attached by ClinVar (database versions not stated): TOPMed below 0.00001; gnomAD 0.00002 and 0.00003; gnomAD exomes below 0.00001.
gnomAD v4.1: 5 of 1,613,384 alleles (0.00031%); highest among the groups gnomAD compares: African/African-American, 0.0067%; no homozygotes.

Submissions (4):

Labcorp Genetics (formerly Invitae), Labcorp
Classification: Uncertain significance for Progressive sclerosing poliodystrophy. Last evaluated: 2025-12-21. Review status: criteria provided, single submitter. Criteria: Invitae Variant Classification Sherloc (09022015). Collection method: clinical testing. Allele origin: germline.
Comment: This sequence change replaces proline, which is neutral and non-polar, with serine, which is neutral and polar, at codon 716 of the POLG protein (p.Pro716Ser). This variant is present in population databases (rs796052883, gnomAD 0.008%). This variant has not been reported in the literature in individuals affected with POLG-related conditions. ClinVar contains an entry for this variant (Variation ID: 206512). Invitae Evidence Modeling of protein sequence and biophysical properties (such as structural, functional, and spatial information, amino acid conservation, physicochemical variation, residue mobility, and thermodynamic stability) indicates that this missense variant is not expected to disrupt POLG protein function with a negative predictive value of 95%. In summary, the available evidence is currently insufficient to determine the role of this variant in disease. Therefore, it has been classified as a Variant of Uncertain Significance.

GeneDx
Classification: Uncertain significance. Last evaluated: 2025-11-11. Review status: criteria provided, single submitter. Criteria: GeneDx Variant Classification Process June 2021. Collection method: clinical testing. Allele origin: germline. Affected: yes.
Comment: Not observed at significant frequency in large population cohorts (gnomAD); In silico analysis suggests that this missense variant does not alter protein structure/function; Has not been previously published as pathogenic or benign to our knowledge; In silico analysis suggests this variant may impact gene splicing. In the absence of RNA/functional studies, the actual effect of this sequence change is unknown.

CeGaT Center for Human Genetics Tuebingen
Classification: Uncertain significance. Last evaluated: 2021-12-01. Review status: criteria provided, single submitter. Criteria: CeGaT Center For Human Genetics Tuebingen Variant Classification Criteria Version 2. Collection method: clinical testing. Allele origin: germline. Affected: yes. Observed: 1 variant allele.

Eurofins Ntd Llc (ga)
Classification: Uncertain significance. Last evaluated: 2018-03-22. Review status: criteria provided, single submitter. Criteria: EGL ClinVar v180209 classification definitions. Collection method: clinical testing. Allele origin: germline. Observed: 2 variant alleles, 2 heterozygotes.

NM_002693.3(POLG):c.2146C>T (p.Pro716Ser)

Gene: POLG (DNA polymerase gamma, catalytic subunit; minus strand). Cytogenetic location: 15q26.1.
Variant type: single nucleotide variant.
Coding change: c.2146C>T on transcript NM_002693.3 (MANE Select); coding-DNA position 2146, C replaced by T.
Protein change: p.Pro716Ser; replaces proline 716 with serine.
Molecular consequence: missense variant.
Genome position (GRCh38, 1-based): chr15:89,323,826, G>A on the plus strand (C>T on the coding strand, the complement: POLG is on the minus strand). VCF-style: chr15-89323826-G-A. GRCh37 (hg19) VCF-style: chr15-89867057-G-A.
Other names: p.P716S:CCC>TCC; c.2146C>T, p.Pro716Ser (NM_001126131.2); short protein forms P716S.
Identifiers: ClinVar variation 206512 (VCV000206512.46), dbSNP rs796052883, ClinGen allele CA316670.